The following is an entry in ClinVar:

NM_001145418.2(TTC28):c.7271C>G (p.Ala2424Gly)

Genes: TTC28 (tetratricopeptide repeat domain 28; minus strand), TTC28-AS1 (TTC28 antisense RNA 1; plus strand). Cytogenetic location: 22q12.1.
Variant type: single nucleotide variant.
Coding change: c.7271C>G on transcript NM_001145418.2 (MANE Select); coding-DNA position 7271, C replaced by G.
Protein change: p.Ala2424Gly; replaces alanine 2424 with glycine.
Molecular consequence: missense variant.
Genome position (GRCh38, 1-based): chr22:27,982,396, G>C on the plus strand (C>G on the coding strand, the complement: TTC28 is on the minus strand). VCF-style: chr22-27982396-G-C. GRCh37 (hg19) VCF-style: chr22-28378384-G-C.
Other names: c.7247C>G, p.Ala2416Gly (NM_001393403.1); c.6917C>G, p.Ala2306Gly (NM_001393404.1); c.6893C>G, p.Ala2298Gly (NM_001393405.1); short protein forms A2298G, A2306G, A2416G, A2424G.
Identifiers: ClinVar variation 3056496 (VCV003056496.2), dbSNP rs41278845, ClinGen allele CA10166966.

ClinVar aggregate classification (germline): Benign (0 of 4 stars; one submission).

Conditions:
TTC28-related disorder. Also called: TTC28-related condition.

Allele frequency attached by ClinVar (database versions not stated): 1000 Genomes Project 30x 0.01499; 1000 Genomes Project 0.01577; ExAC 0.03032; gnomAD 0.03252; TOPMed 0.03402; ESP Exome Variant Server 0.04468.
gnomAD v4.1: 66,369 of 1,551,410 alleles (4.3%); highest among the groups gnomAD compares: Middle Eastern, 7.8%; 1,695 homozygotes.

Submission:

PreventionGenetics, part of Exact Sciences
Classification: Benign for TTC28-related condition. Last evaluated: 2020-01-03. Review status: no assertion criteria provided. Collection method: clinical testing. Allele origin: germline.
Comment: This variant is classified as benign based on ACMG/AMP sequence variant interpretation guidelines (Richards et al. 2015 PMID: 25741868, with internal and published modifications).